The following is an entry in ClinVar:

ClinVar aggregate classification (germline): Uncertain significance (0 of 4 stars; one submission).

Conditions:
CEP290-related disorder. Also called: CEP290-related condition; CEP290-related disorders. Identifiers: MedGen CN239314.

gnomAD v4.1: 4 of 1,611,282 alleles (0.00025%); highest among the groups gnomAD compares: African/African-American, 0.004%; no homozygotes.

Submission:

PreventionGenetics, part of Exact Sciences
Classification: Uncertain significance for CEP290-related condition. Last evaluated: 2024-08-06. Review status: no assertion criteria provided. Collection method: clinical testing. Allele origin: germline.
Comment: The CEP290 c.28A>G variant is predicted to result in the amino acid substitution p.Ile10Val. To our knowledge, this variant has not been reported in the literature or in a large population database, indicating this variant is rare. At this time, the clinical significance of this variant is uncertain due to the absence of conclusive functional and genetic evidence.

NM_025114.4(CEP290):c.28A>G (p.Ile10Val)

Gene: CEP290 (centrosomal protein 290; minus strand). Cytogenetic location: 12q21.32.
Variant type: single nucleotide variant.
Coding change: c.28A>G on transcript NM_025114.4 (MANE Select); coding-DNA position 28, A replaced by G.
Protein change: p.Ile10Val; replaces isoleucine 10 with valine.
Molecular consequence: missense variant.
Genome position (GRCh38, 1-based): chr12:88,141,280, T>C on the plus strand (A>G on the coding strand, the complement: CEP290 is on the minus strand). VCF-style: chr12-88141280-T-C. GRCh37 (hg19) VCF-style: chr12-88535057-T-C.
Other names: short protein forms I10V.
Identifiers: ClinVar variation 3347619 (VCV003347619.1).